The following is an entry in ClinVar:

ClinVar aggregate classification (germline): Uncertain significance (1 of 4 stars; one submission).

Conditions:
Left ventricular noncompaction 1 (LVNC1). Also called: LEFT VENTRICULAR NONCOMPACTION 1 WITH OR WITHOUT CONGENITAL HEART DEFECTS. Identifiers: Orphanet 54260, MedGen C1858725, MONDO:0011403, OMIM 604169.

Allele frequency attached by ClinVar (database versions not stated): TOPMed 0.00001; ExAC 0.00001; gnomAD 0.00001.
gnomAD v4.1: 3 of 1,613,978 alleles (0.00019%); highest among the groups gnomAD compares: African/African-American, 0.004%; no homozygotes.

Submission:

Labcorp Genetics (formerly Invitae), Labcorp
Classification: Uncertain significance for Left ventricular noncompaction 1. Last evaluated: 2025-12-10. Review status: criteria provided, single submitter. Criteria: Invitae Variant Classification Sherloc (09022015). Collection method: clinical testing. Allele origin: germline.
Comment: This sequence change replaces serine, which is neutral and polar, with arginine, which is basic and polar, at codon 683 of the DTNA protein (p.Ser683Arg). This variant is present in population databases (rs775829341, gnomAD 0.007%). This variant has not been reported in the literature in individuals affected with DTNA-related conditions. ClinVar contains an entry for this variant (Variation ID: 2753907). An algorithm developed to predict the effect of missense changes on protein structure and function (PolyPhen-2) suggests that this variant is likely to be tolerated. In summary, the available evidence is currently insufficient to determine the role of this variant in disease. Therefore, it has been classified as a Variant of Uncertain Significance.

NM_001386795.1(DTNA):c.2130T>A (p.Ser710Arg)

Gene: DTNA (dystrobrevin alpha; plus strand). Cytogenetic location: 18q12.1.
Variant type: single nucleotide variant.
Coding change: c.2130T>A on transcript NM_001386795.1 (MANE Select); coding-DNA position 2130, T replaced by A.
Protein change: p.Ser710Arg; replaces serine 710 with arginine.
Molecular consequence: missense variant.
Genome position (GRCh38, 1-based): chr18:34,879,687, T>A. VCF-style: chr18-34879687-T-A. GRCh37 (hg19) VCF-style: chr18-32459651-T-A.
Other names: c.1869T>A, p.Ser623Arg (NM_001198938.2, NM_001198940.2, NM_001386753.1 and 5 more transcripts); c.1890T>A, p.Ser630Arg (NM_001198939.2); c.1176T>A, p.Ser392Arg (NM_001198942.1); c.1119T>A, p.Ser373Arg (NM_001198943.1); c.1005T>A, p.Ser335Arg (NM_001198944.1); c.1959T>A, p.Ser653Arg (NM_001386754.1, NM_001386755.1, NM_001386756.1 and 3 more transcripts); c.1956T>A, p.Ser652Arg (NM_001386760.1); c.1878T>A, p.Ser626Arg (NM_001386761.1, NM_032975.4); and 5 more; short protein forms S335R, S373R, S623R, S625R, S626R, S331R, S652R, S622R.
Identifiers: ClinVar variation 2753907 (VCV002753907.3), dbSNP rs775829341, ClinGen allele CA8935934.